The following is an entry in ClinVar:

NM_000038.6(APC):c.7781C>G (p.Ser2594Cys)

Gene: APC (APC regulator of Wnt signaling pathway; plus strand). Cytogenetic location: 5q22.2.
Variant type: single nucleotide variant.
Coding change: c.7781C>G on transcript NM_000038.6 (MANE Select); coding-DNA position 7781, C replaced by G.
Protein change: p.Ser2594Cys; replaces serine 2594 with cysteine.
Molecular consequence: missense variant.
Genome position (GRCh38, 1-based): chr5:112,843,375, C>G. VCF-style: chr5-112843375-C-G. GRCh37 (hg19) VCF-style: chr5-112179072-C-G.
Other names: c.7781C>G, p.Ser2594Cys (NM_001127510.3, NM_001354895.2); c.7727C>G, p.Ser2576Cys (NM_001127511.3); c.7835C>G, p.Ser2612Cys (NM_001354896.2); c.7811C>G, p.Ser2604Cys (NM_001354897.2); c.7706C>G, p.Ser2569Cys (NM_001354898.2); c.7697C>G, p.Ser2566Cys (NM_001354899.2); c.7658C>G, p.Ser2553Cys (NM_001354900.2); c.7604C>G, p.Ser2535Cys (NM_001354901.2); and 5 more; short protein forms S2576C, S2594C, S2493C, S2503C, S2553C, S2569C, S2604C, S2535C.
Identifiers: ClinVar variation 350422 (VCV000350422.32), dbSNP rs543396310, ClinGen allele CA049176.

ClinVar aggregate classification (germline): Benign/Likely benign. Review status: criteria provided, multiple submitters, no conflicts (2 of 4 stars). 12 submissions from 12 submitters: Benign (4); Likely benign (6). 2 of the submissions do not count toward it. Last evaluated 2026-02-03.

Conditions:
Hereditary cancer-predisposing syndrome. Also called: Hereditary neoplastic syndrome; Tumor predisposition; Hereditary Cancer Syndrome; Neoplastic Syndromes, Hereditary. Identifiers: Orphanet 140162, MedGen C0027672, MeSH D009386, MONDO:0015356.
APC-related disorder. Also called: APC-related condition.
Familial adenomatous polyposis 1 (FAP1). Also called: FAMILIAL ADENOMATOUS POLYPOSIS 1, ATTENUATED; POLYPOSIS, ADENOMATOUS INTESTINAL. Identifiers: MedGen C2713442, MONDO:0021056, OMIM 175100. Disease mechanism: loss of function.
APC-Associated Polyposis Disorders.

Allele frequency attached by ClinVar (database versions not stated): gnomAD 0.00002 and 0.00009; TOPMed 0.00002; gnomAD exomes 0.00018 and 0.00042; 1000 Genomes Project 30x 0.00047; ExAC 0.00048; 1000 Genomes Project 0.00060.
gnomAD v4.1: 284 of 1,613,748 alleles (0.018%); highest among the groups gnomAD compares: South Asian, 0.28%; 3 homozygotes.

Submissions (12):

Labcorp Genetics (formerly Invitae), Labcorp
Classification: Benign for Familial adenomatous polyposis 1. Last evaluated: 2026-02-03. Review status: criteria provided, single submitter. Criteria: Invitae Variant Classification Sherloc (09022015). Collection method: clinical testing. Allele origin: germline.

Color Diagnostics, LLC DBA Color Health
Classification: Benign for Hereditary cancer-predisposing syndrome. Last evaluated: 2024-09-24. Review status: criteria provided, single submitter. Criteria: ACMG Guidelines, 2015. Collection method: clinical testing. Allele origin: germline.

Myriad Genetics, Inc.
Classification: Likely benign for Familial adenomatous polyposis 1. Last evaluated: 2024-04-10. Review status: criteria provided, single submitter. Criteria: Myriad Autosomal Dominant, Autosomal Recessive and X-Linked Classification Criteria (2023). Collection method: clinical testing. Allele origin: unknown.
Comment: This variant is considered likely benign. This variant has been observed at a population frequency that is significantly greater than expected given the associated disease prevalence and penetrance.

Blueprint Genetics
Classification: Likely benign. Last evaluated: 2024-03-25. Review status: criteria provided, single submitter. Criteria: ACMG Guidelines, 2015. Collection method: clinical testing. Allele origin: germline.

Quest Diagnostics Nichols Institute San Juan Capistrano
Classification: Benign. Last evaluated: 2022-08-07. Review status: criteria provided, single submitter. Criteria: Quest Diagnostics criteria. Collection method: clinical testing. Allele origin: unknown.

Women's Health and Genetics/Laboratory Corporation of America, LabCorp
Classification: Likely benign. Last evaluated: 2022-04-14. Review status: criteria provided, single submitter. Criteria: LabCorp Variant Classification Summary - May 2015. Collection method: clinical testing. Allele origin: germline.

GeneDx
Classification: Likely benign. Last evaluated: 2020-11-09. Review status: criteria provided, single submitter. Criteria: GeneDx Variant Classification Process June 2021. Collection method: clinical testing. Allele origin: germline. Affected: yes.
Comment: This variant is associated with the following publications: (PMID: 27354939)

Dubai Health Genomic Medicine Center, Dubai Health
Classification: Likely benign. Last evaluated: 2020-06-25. Review status: criteria provided, single submitter. Criteria: ACMG Guidelines, 2015. Collection method: clinical testing. Allele origin: germline. Affected: yes.

Ambry Genetics
Classification: Likely benign for Hereditary cancer-predisposing syndrome. Last evaluated: 2018-02-22. Review status: criteria provided, single submitter. Criteria: Ambry Variant Classification Scheme 2023. Collection method: clinical testing. Allele origin: germline.

Illumina Laboratory Services, Illumina
Classification: Benign for APC-Associated Polyposis Disorders. Last evaluated: 2018-01-13. Review status: criteria provided, single submitter. Criteria: ICSL Variant Classification Criteria 13 December 2019. Collection method: clinical testing. Allele origin: germline.
Comment: This variant was observed in the ICSL laboratory as part of a predisposition screen in an ostensibly healthy population. It had not been previously curated by ICSL or reported in the Human Gene Mutation Database (HGMD: prior to June 1st, 2018), and was therefore a candidate for classification through an automated scoring system. Utilizing variant allele frequency, disease prevalence and penetrance estimates, and inheritance mode, an automated score was calculated to assess if this variant is too frequent to cause the disease. Based on the score and internal cut-off values, a variant classified as benign is not then subjected to further curation. The score for this variant resulted in a classification of benign for this disease.

PreventionGenetics, part of Exact Sciences
Classification: Likely benign for APC-related condition. Last evaluated: 2020-07-01. Review status: no assertion criteria provided. Collection method: clinical testing. Allele origin: germline. Not counted in ClinVar's aggregate classification.
Comment: This variant is classified as likely benign based on ACMG/AMP sequence variant interpretation guidelines (Richards et al. 2015 PMID: 25741868, with internal and published modifications).

Department of Pathology and Laboratory Medicine, Sinai Health System
Classification: Benign for Familial adenomatous polyposis 1. Review status: no assertion criteria provided. Collection method: clinical testing. Allele origin: unknown. Affected: yes. Observed: 1 variant allele. Study: The Canadian Open Genetics Repository (COGR). Not counted in ClinVar's aggregate classification.
Comment: The APC p.Ser2594Cys variant was not identified in the literature nor in Genesight-COGR, Insight Colon Cancer Gene Variant Database, and Zhejiang Colon Cancer Database. The variant was identified in dbSNP (ID: rs543396310) â€šÃ„ÃºWith Likely benign alleleâ€šÃ„Ã¹, ClinVar (classified as benign by Clinvitae and likely benign by Illumina Clinical Services Laboratory), Clinvitae (2x), Cosmic (1x in a carcinoma of the large intestine and in control databases in 103 (2 homozygous) of 245484 chromosomes at a frequency of 0.0004 increasing the likelihood that this may be a low frequency benign variant in certain populations of origin (Genome Aggregation Consortium Feb 27, 2017), being identified in the following populations: African in 1 of 15284 chromosomes (frequency: 0.00007), Other in 1 of 5464 chromosomes (frequency: 0.0002), European Non-Finnish in 1 of 111164 crhomosomes (frequency: 0.000009), and in South Asian in 100 (2 homozygous) of 30734 chromosomes (frequency: 0.003). p.Asp170ValfsX4). The p.Ser2594 residue is not conserved in mammals and computational analyses (PolyPhen-2, SIFT, AlignGVGD, BLOSUM, MutationTaster) provide inconsistent predictions regarding the impact to the protein; this information is not very predictive of pathogenicity. The variant occurs outside of the splicing consensus sequence and in silico or computational prediction software programs (SpliceSiteFinder, MaxEntScan, NNSPLICE, GeneSplicer, HumanSpliceFinder) do not predict a difference in splicing. In summary, based on the above information this variant meets our laboratory's criteria to be classified as benign.

Literature cited by the submitters: PubMed 33875564 (cited by Quest Diagnostics Nichols Institute San Juan Capistrano); PubMed 27354939 (cited by Quest Diagnostics Nichols Institute San Juan Capistrano and Ambry Genetics).